The following is an entry in ClinVar:

NM_139076.3(ABRAXAS1):c.1012G>A (p.Ala338Thr)

Gene: ABRAXAS1 (abraxas 1, BRCA1 A complex subunit; minus strand). Cytogenetic location: 4q21.23.
Variant type: single nucleotide variant.
Coding change: c.1012G>A on transcript NM_139076.3 (MANE Select); coding-DNA position 1012, G replaced by A.
Protein change: p.Ala338Thr; replaces alanine 338 with threonine.
Molecular consequence: missense variant.
Genome position (GRCh38, 1-based): chr4:83,462,687, C>T on the plus strand (G>A on the coding strand, the complement: ABRAXAS1 is on the minus strand). VCF-style: chr4-83462687-C-T. GRCh37 (hg19) VCF-style: chr4-84383840-C-T.
Other names: c.685G>A, p.Ala229Thr (NM_001345962.2); short protein forms A338T, A229T.
Identifiers: ClinVar variation 960784 (VCV000960784.13), dbSNP rs1722174148, ClinGen allele CA357255502.
Genomic context (GRCh38, chr4:83,462,687, plus strand): 5'-TGAATTGCCATCTGTCATCTAAGTCTAAGGCTTTATGCTTAATGATTTGTGGTGTACTAG[C>T]TGGACTAGCTTCAGGAATGTCAGTGTGTTCTACCATTAAGGTCAGATTGTCTACTACATC-3'
Protein context (NP_620775.2, residues 328-348): EHTDIPEASP[Ala338Thr]STPQIIKHKA

ClinVar aggregate classification (germline): Uncertain significance. Review status: criteria provided, multiple submitters, no conflicts (2 of 4 stars). 2 submissions from 2 submitters: Uncertain significance (2). Last evaluated 2024-09-21.

Allele frequency attached by ClinVar (database versions not stated): gnomAD exomes below 0.00001; gnomAD 0.00001.

Submissions (2):

Ambry Genetics
Classification: Uncertain significance. Last evaluated: 2024-09-21. Review status: criteria provided, single submitter. Criteria: Ambry Variant Classification Scheme 2023. Collection method: clinical testing. Allele origin: germline.
Comment: The p.A338T variant (also known as c.1012G>A), located in coding exon 9 of the FAM175A gene, results from a G to A substitution at nucleotide position 1012. The alanine at codon 338 is replaced by threonine, an amino acid with similar properties. This amino acid position is conserved. In addition, this alteration is predicted to be tolerated by in silico analysis. Since supporting evidence is limited at this time, the clinical significance of this alteration remains unclear.

Labcorp Genetics (formerly Invitae), Labcorp
Classification: Uncertain significance. Last evaluated: 2022-03-05. Review status: criteria provided, single submitter. Criteria: Invitae Variant Classification Sherloc (09022015). Collection method: clinical testing. Allele origin: germline.
Comment: This sequence change replaces alanine, which is neutral and non-polar, with threonine, which is neutral and polar, at codon 338 of the ABRAXAS1 protein (p.Ala338Thr). In summary, the available evidence is currently insufficient to determine the role of this variant in disease. Therefore, it has been classified as a Variant of Uncertain Significance. Algorithms developed to predict the effect of missense changes on protein structure and function output the following: SIFT: "Tolerated"; PolyPhen-2: "Benign"; Align-GVGD: "Class C0". The threonine amino acid residue is found in multiple mammalian species, which suggests that this missense change does not adversely affect protein function. ClinVar contains an entry for this variant (Variation ID: 960784). This variant has not been reported in the literature in individuals affected with ABRAXAS1-related conditions. This variant is not present in population databases (gnomAD no frequency).